The following is an entry in ClinVar:

ClinVar aggregate classification (germline): Likely pathogenic (1 of 4 stars; one submission).

Conditions:
Cardiovascular phenotype. Identifiers: MedGen CN230736.

Submission:

Ambry Genetics
Classification: Likely pathogenic for Cardiovascular phenotype. Last evaluated: 2021-03-25. Review status: criteria provided, single submitter. Criteria: Ambry Variant Classification Scheme 2023. Collection method: clinical testing. Allele origin: germline.
Comment: The c.2925+1dupG intronic variant results from a duplication of G one nucleotide after coding exon 23 of the RASA1 gene. This nucleotide position is highly conserved in available vertebrate species. In silico splice site analysis predicts that this alteration will weaken the native splice donor site and will result in the creation or strengthening of a novel splice donor site. Alterations that disrupt the canonical splice site are expected to cause aberrant splicing, resulting in an abnormal protein or a transcript that is subject to nonsense-mediated mRNA decay. As such, this alteration is classified as likely pathogenic.

NM_002890.3(RASA1):c.2925+1dup

Genes: CCNH (cyclin H; minus strand), RASA1 (RAS p21 protein activator 1; plus strand). Cytogenetic location: 5q14.3.
Variant type: Duplication.
Coding change: c.2925+1dup on transcript NM_002890.3 (MANE Select); the canonical splice donor site of the intron after coding-DNA position 2925, one base duplicated (G; older notation c.2925+1dupG).
Molecular consequence: splice donor variant. On other transcripts: intron variant (1).
Genome position (GRCh38, 1-based): chr5:87,386,904, G duplicated; the last of 4 consecutive G bases (chr5:87,386,901-87,386,904); duplicating any one gives the same sequence. VCF-style (leftmost placement, unchanged base first): chr5-87386900-T-TG. GRCh37 (hg19) VCF-style: chr5-86682717-T-TG.
Other names: c.2925+1dupG (NM_002890.3); c.2394+1dup (NM_022650.3); c.933+8143dup (NM_001364075.2).
Identifiers: ClinVar variation 1797743 (VCV001797743.2), dbSNP rs1762098966, ClinGen allele CA2580073700.